The following is an entry in ClinVar:

NM_014679.5(CEP57):c.515A>G (p.Glu172Gly)

Gene: CEP57 (centrosomal protein 57; plus strand). Cytogenetic location: 11q21.
Variant type: single nucleotide variant.
Coding change: c.515A>G on transcript NM_014679.5 (MANE Select); coding-DNA position 515, A replaced by G.
Protein change: p.Glu172Gly; replaces glutamic acid 172 with glycine.
Molecular consequence: missense variant.
Genome position (GRCh38, 1-based): chr11:95,817,797, A>G. VCF-style: chr11-95817797-A-G. GRCh37 (hg19) VCF-style: chr11-95550961-A-G.
Other names: c.488A>G, p.Glu163Gly (NM_001243776.2); c.515A>G, p.Glu172Gly (NM_001243777.2); c.434A>G, p.Glu145Gly (NM_001363604.2); c.515A>G (NM_014679.4); short protein forms E145G, E172G, E163G.
Identifiers: ClinVar variation 1522006 (VCV001522006.9), dbSNP rs2135337872, ClinGen allele CA382422648.

ClinVar aggregate classification (germline): Uncertain significance. Review status: criteria provided, multiple submitters, no conflicts (2 of 4 stars). 2 submissions from 2 submitters: Uncertain significance (2). Last evaluated 2025-11-09.

Conditions:
Inborn genetic diseases. Identifiers: MedGen C0950123, MeSH D030342.
Mosaic variegated aneuploidy syndrome 2 (MVA2). Identifiers: Orphanet 1052, MedGen C3279843, MONDO:0013582, OMIM 614114.

Allele frequency attached by ClinVar (database versions not stated): gnomAD exomes below 0.00001.
gnomAD v4.1: 2 of 1,611,916 alleles (0.00012%); highest among the groups gnomAD compares: East Asian, 0.0022%; no homozygotes.

Submissions (2):

Ambry Genetics
Classification: Uncertain significance for Inborn genetic diseases. Last evaluated: 2025-11-09. Review status: criteria provided, single submitter. Criteria: Ambry Variant Classification Scheme 2023. Collection method: clinical testing. Allele origin: germline.
Comment: The p.E172G variant (also known as c.515A>G), located in coding exon 5 of the CEP57 gene, results from an A to G substitution at nucleotide position 515. The glutamic acid at codon 172 is replaced by glycine, an amino acid with similar properties. This amino acid position is conserved. In addition, this alteration is predicted to be deleterious by in silico analysis. Based on the available evidence, the clinical significance of this variant remains unclear.

Labcorp Genetics (formerly Invitae), Labcorp
Classification: Uncertain significance for Mosaic variegated aneuploidy syndrome 2. Last evaluated: 2023-08-04. Review status: criteria provided, single submitter. Criteria: Invitae Variant Classification Sherloc (09022015). Collection method: clinical testing. Allele origin: germline.
Comment: This sequence change replaces glutamic acid, which is acidic and polar, with glycine, which is neutral and non-polar, at codon 172 of the CEP57 protein (p.Glu172Gly). This variant is not present in population databases (gnomAD no frequency). This variant has not been reported in the literature in individuals affected with CEP57-related conditions. ClinVar contains an entry for this variant (Variation ID: 1522006). Advanced modeling of protein sequence and biophysical properties (such as structural, functional, and spatial information, amino acid conservation, physicochemical variation, residue mobility, and thermodynamic stability) performed at Invitae indicates that this missense variant is not expected to disrupt CEP57 protein function. In summary, the available evidence is currently insufficient to determine the role of this variant in disease. Therefore, it has been classified as a Variant of Uncertain Significance.